The following is an entry in ClinVar:

ClinVar aggregate classification (germline): Uncertain significance (1 of 4 stars; one submission).

Allele frequency attached by ClinVar (database versions not stated): gnomAD exomes below 0.00001; ExAC 0.00001.
gnomAD v4.1: 2 of 1,614,258 alleles (0.00012%); highest among the groups gnomAD compares: Non-Finnish European, 0.000085%; no homozygotes.

Submission:

Labcorp Genetics (formerly Invitae), Labcorp
Classification: Uncertain significance. Last evaluated: 2024-02-24. Review status: criteria provided, single submitter. Criteria: Invitae Variant Classification Sherloc (09022015). Collection method: clinical testing. Allele origin: germline.
Comment: This sequence change replaces isoleucine, which is neutral and non-polar, with valine, which is neutral and non-polar, at codon 386 of the PRPF6 protein (p.Ile386Val). This variant is not present in population databases (gnomAD no frequency). This variant has not been reported in the literature in individuals affected with PRPF6-related conditions. ClinVar contains an entry for this variant (Variation ID: 1442417). Advanced modeling of protein sequence and biophysical properties (such as structural, functional, and spatial information, amino acid conservation, physicochemical variation, residue mobility, and thermodynamic stability) performed at Invitae indicates that this missense variant is not expected to disrupt PRPF6 protein function with a negative predictive value of 80%. In summary, the available evidence is currently insufficient to determine the role of this variant in disease. Therefore, it has been classified as a Variant of Uncertain Significance.

NM_012469.4(PRPF6):c.1156A>G (p.Ile386Val)

Gene: PRPF6 (pre-mRNA processing factor 6; plus strand). Cytogenetic location: 20q13.33.
Variant type: single nucleotide variant.
Coding change: c.1156A>G on transcript NM_012469.4 (MANE Select); coding-DNA position 1156, A replaced by G.
Protein change: p.Ile386Val; replaces isoleucine 386 with valine.
Molecular consequence: missense variant.
Genome position (GRCh38, 1-based): chr20:64,001,209, A>G. VCF-style: chr20-64001209-A-G. GRCh37 (hg19) VCF-style: chr20-62632562-A-G.
Other names: short protein forms I386V.
Identifiers: ClinVar variation 1442417 (VCV001442417.8), dbSNP rs778722070, ClinGen allele CA9972100.